The following is an entry in ClinVar:

NM_004974.4(KCNA2):c.631G>A (p.Gly211Arg)

Gene: KCNA2 (potassium voltage-gated channel subfamily A member 2; minus strand). Cytogenetic location: 1p13.3.
Variant type: single nucleotide variant.
Coding change: c.631G>A on transcript NM_004974.4 (MANE Select); coding-DNA position 631, G replaced by A.
Protein change: p.Gly211Arg; replaces glycine 211 with arginine.
Molecular consequence: missense variant.
Genome position (GRCh38, 1-based): chr1:110,604,152, C>T on the plus strand (G>A on the coding strand, the complement: KCNA2 is on the minus strand). VCF-style: chr1-110604152-C-T. GRCh37 (hg19) VCF-style: chr1-111146774-C-T.
Other names: c.631G>A, p.Gly211Arg (NM_001204269.2); short protein forms G211R.
Identifiers: ClinVar variation 582691 (VCV000582691.10), dbSNP rs149727427, ClinGen allele CA1000691.

ClinVar aggregate classification (germline): Uncertain significance (1 of 4 stars; one submission).

Conditions:
Developmental and epileptic encephalopathy, 32 (DEE32). Also called: Epileptic encephalopathy, early infantile, 32. Identifiers: Orphanet 442835, MedGen C4225350, MONDO:0014607, OMIM 616366.

Allele frequency attached by ClinVar (database versions not stated): ESP Exome Variant Server 0.00008.
gnomAD v4.1: 20 of 1,614,058 alleles (0.0012%); highest among the groups gnomAD compares: African/African-American, 0.0027%; no homozygotes.

Submission:

Labcorp Genetics (formerly Invitae), Labcorp
Classification: Uncertain significance for Developmental and epileptic encephalopathy, 32. Last evaluated: 2026-01-31. Review status: criteria provided, single submitter. Criteria: Invitae Variant Classification Sherloc (09022015). Collection method: clinical testing. Allele origin: germline.
Comment: This sequence change replaces glycine, which is neutral and non-polar, with arginine, which is basic and polar, at codon 211 of the KCNA2 protein (p.Gly211Arg). This variant is present in population databases (rs149727427, gnomAD 0.003%). This variant has not been reported in the literature in individuals affected with KCNA2-related conditions. ClinVar contains an entry for this variant (Variation ID: 582691). Invitae Evidence Modeling of protein sequence and biophysical properties (such as structural, functional, and spatial information, amino acid conservation, physicochemical variation, residue mobility, and thermodynamic stability) indicates that this missense variant is not expected to disrupt KCNA2 protein function with a negative predictive value of 95%. In summary, the available evidence is currently insufficient to determine the role of this variant in disease. Therefore, it has been classified as a Variant of Uncertain Significance.